The following is an entry in ClinVar:

NM_004100.5(EYA4):c.43A>G (p.Thr15Ala)

Gene: EYA4 (EYA transcriptional coactivator and phosphatase 4; plus strand). Cytogenetic location: 6q23.2.
Variant type: single nucleotide variant.
Coding change: c.43A>G on transcript NM_004100.5 (MANE Select); coding-DNA position 43, A replaced by G.
Protein change: p.Thr15Ala; replaces threonine 15 with alanine.
Molecular consequence: missense variant.
Genome position (GRCh38, 1-based): chr6:133,382,401, A>G. VCF-style: chr6-133382401-A-G. GRCh37 (hg19) VCF-style: chr6-133703539-A-G.
Other names: c.43A>G, p.Thr15Ala (NM_001301012.2, NM_001301013.2, NM_001370458.1 and 3 more transcripts); short protein forms T15A.
Identifiers: ClinVar variation 1477157 (VCV001477157.8), dbSNP rs1359824142, ClinGen allele CA365837795.
Genomic context (GRCh38, chr6:133,382,401, plus strand): 5'-GTGAGGAAGTTGTATTTTCATATGAGAATAACTAGTACTCTTTTCTTACAGGTAAAGAAA[A>G]CGTGCACAGAATCAGATGTTTCACAATCTCAGAATTCCAGGTACAGTAAAATAAAGACCA-3'
Protein context (NP_004091.3, residues 5-25): QDLNEQSVKK[Thr15Ala]CTESDVSQSQ

ClinVar aggregate classification (germline): Uncertain significance. Review status: criteria provided, multiple submitters, no conflicts (2 of 4 stars). 2 submissions from 2 submitters: Uncertain significance (2). Last evaluated 2023-12-11.

Conditions:
Cardiovascular phenotype. Identifiers: MedGen CN230736.
Dilated cardiomyopathy 1J (CMD1J). Also called: CARDIOMYOPATHY, DILATED, WITH SENSORINEURAL HEARING LOSS, AUTOSOMAL DOMINANT. Identifiers: Orphanet 217622, MedGen C1854368, MONDO:0011541, OMIM 605362.

Allele frequency attached by ClinVar (database versions not stated): gnomAD exomes below 0.00001.
gnomAD v4.1: 2 of 1,609,606 alleles (0.00012%); highest among the groups gnomAD compares: Non-Finnish European, 0.00017%; no homozygotes.

Submissions (2):

Labcorp Genetics (formerly Invitae), Labcorp
Classification: Uncertain significance for Dilated cardiomyopathy 1J. Last evaluated: 2023-12-11. Review status: criteria provided, single submitter. Criteria: Invitae Variant Classification Sherloc (09022015). Collection method: clinical testing. Allele origin: germline.
Comment: This sequence change replaces threonine, which is neutral and polar, with alanine, which is neutral and non-polar, at codon 15 of the EYA4 protein (p.Thr15Ala). This variant is not present in population databases (gnomAD no frequency). This variant has not been reported in the literature in individuals affected with EYA4-related conditions. ClinVar contains an entry for this variant (Variation ID: 1477157). An algorithm developed to predict the effect of missense changes on protein structure and function (PolyPhen-2) suggests that this variant is likely to be tolerated. In summary, the available evidence is currently insufficient to determine the role of this variant in disease. Therefore, it has been classified as a Variant of Uncertain Significance.

Ambry Genetics
Classification: Uncertain significance for Cardiovascular phenotype. Last evaluated: 2022-02-14. Review status: criteria provided, single submitter. Criteria: Ambry Variant Classification Scheme 2023. Collection method: clinical testing. Allele origin: germline.
Comment: The p.T15A variant (also known as c.43A>G), located in coding exon 2 of the EYA4 gene, results from an A to G substitution at nucleotide position 43. The threonine at codon 15 is replaced by alanine, an amino acid with similar properties. This amino acid position is conserved. In addition, the in silico prediction for this alteration is inconclusive. Since supporting evidence is limited at this time, the clinical significance of this alteration remains unclear.